The following is an entry in ClinVar:

NM_004130.4(GYG1):c.609-14C>T

Gene: GYG1 (glycogenin 1; plus strand). Cytogenetic location: 3q24.
Variant type: single nucleotide variant.
Coding change: c.609-14C>T on transcript NM_004130.4 (MANE Select); 14 bases into the intron before coding-DNA position 609, C replaced by T.
Molecular consequence: intron variant.
Genome position (GRCh38, 1-based): chr3:149,024,039, C>T. VCF-style: chr3-149024039-C-T. GRCh37 (hg19) VCF-style: chr3-148741826-C-T.
Other names: c.609-14C>T (NM_001184720.2); c.609-2721C>T (NM_001184721.2).
Identifiers: ClinVar variation 513620 (VCV000513620.10), dbSNP rs199593097, ClinGen allele CA2658618.

ClinVar aggregate classification (germline): Likely benign. Review status: criteria provided, multiple submitters, no conflicts (2 of 4 stars). 3 submissions from 3 submitters: Likely benign (3). Last evaluated 2023-02-10.

Conditions:
Glycogen storage disease XV (GSD15). Also called: GLYCOGENIN DEFICIENCY; GSD XV. Identifiers: Orphanet 263297, MedGen C3150754, MONDO:0013291, OMIM 613507.
Polyglucosan body myopathy type 2. Identifiers: Orphanet 456369, MedGen C4015452, MONDO:0014526, OMIM 616199.

Allele frequency attached by ClinVar (database versions not stated): gnomAD 0.00003; ExAC 0.00004; TOPMed 0.00004; gnomAD exomes 0.00005; 1000 Genomes Project 0.00020; 1000 Genomes Project 30x 0.00031.
gnomAD v4.1: 52 of 1,592,620 alleles (0.0033%); highest among the groups gnomAD compares: Middle Eastern, 0.066%; no homozygotes.

Submissions (3):

Labcorp Genetics (formerly Invitae), Labcorp
Classification: Likely benign for Polyglucosan body myopathy type 2; Glycogen storage disease XV. Last evaluated: 2023-02-10. Review status: criteria provided, single submitter. Criteria: Invitae Variant Classification Sherloc (09022015). Collection method: clinical testing. Allele origin: germline.

Blueprint Genetics
Classification: Likely benign. Last evaluated: 2020-11-30. Review status: criteria provided, single submitter. Criteria: ACMG Guidelines, 2015. Collection method: clinical testing. Allele origin: germline.

GeneDx
Classification: Likely benign. Last evaluated: 2017-12-11. Review status: criteria provided, single submitter. Criteria: GeneDx Variant Classification (06012015). Collection method: clinical testing. Allele origin: germline. Affected: yes.
Comment: This variant is considered likely benign or benign based on one or more of the following criteria: it is a conservative change, it occurs at a poorly conserved position in the protein, it is predicted to be benign by multiple in silico algorithms, and/or has population frequency not consistent with disease.